The following is an entry in ClinVar:

ClinVar aggregate classification (germline): Uncertain significance. Review status: criteria provided, single submitter (1 of 4 stars). 2 submissions from 2 submitters: Uncertain significance (1). 1 of the submissions does not count toward it. Last evaluated 2018-11-15.

Conditions:
Charlevoix-Saguenay spastic ataxia (SACS). Also called: Spastic ataxia of Charlevoix-Saguenay; SPASTIC ATAXIA 6, AUTOSOMAL RECESSIVE; AUTOSOMAL RECESSIVE SPASTIC ATAXIA OF CHARLEVOIX-SAGUENAY. Identifiers: Orphanet 98, MedGen C1849140, MONDO:0010041, OMIM 270550.
Spastic paraplegia. Identifiers: MedGen C0037772, HP:0001258.

Allele frequency attached by ClinVar (database versions not stated): gnomAD exomes below 0.00001.

Submissions (2):

Labcorp Genetics (formerly Invitae), Labcorp
Classification: Uncertain significance for Spastic paraplegia. Last evaluated: 2018-11-15. Review status: criteria provided, single submitter. Criteria: Invitae Variant Classification Sherloc (09022015). Collection method: clinical testing. Allele origin: germline.
Comment: This variant is not present in population databases (ExAC no frequency). In summary, the available evidence is currently insufficient to determine the role of this variant in disease. Therefore, it has been classified as a Variant of Uncertain Significance. Algorithms developed to predict the effect of missense changes on protein structure and function are either unavailable or do not agree on the potential impact of this missense change (SIFT: "Deleterious"; PolyPhen-2: "Probably Damaging"; Align-GVGD: "Class C0"). This variant has not been reported in the literature in individuals with SACS-related disease. This sequence change replaces valine with phenylalanine at codon 187 of the SACS protein (p.Val187Phe). The valine residue is moderately conserved and there is a small physicochemical difference between valine and phenylalanine.

Natera, Inc.
Classification: Uncertain significance for Charlevoix-Saguenay type spastic ataxia. Last evaluated: 2021-04-23. Review status: no assertion criteria provided. Collection method: clinical testing. Allele origin: germline. Not counted in ClinVar's aggregate classification.

NM_014363.6(SACS):c.559G>T (p.Val187Phe)

Gene: SACS (sacsin molecular chaperone; minus strand). Cytogenetic location: 13q12.12.
Variant type: single nucleotide variant.
Coding change: c.559G>T on transcript NM_014363.6 (MANE Select); coding-DNA position 559, G replaced by T.
Protein change: p.Val187Phe; replaces valine 187 with phenylalanine.
Molecular consequence: missense variant.
Genome position (GRCh38, 1-based): chr13:23,358,380, C>A on the plus strand (G>T on the coding strand, the complement: SACS is on the minus strand). VCF-style: chr13-23358380-C-A. GRCh37 (hg19) VCF-style: chr13-23932519-C-A.
Other names: c.118G>T, p.Val40Phe (NM_001278055.2); short protein forms V187F, V40F.
Identifiers: ClinVar variation 657962 (VCV000657962.9), dbSNP rs1344578174, ClinGen allele CA387551963.
Genomic context (GRCh38, chr13:23,358,380, plus strand): 5'-AGCCTAATACTCTACCTGTTATATGATAGACAGAATTAAACCCAATTCCAAATCTTCCGA[C>A]CTTCAGAGGATCATCCTTTTTCCTGCTTCTTGCTATTTCTTGAATGCCGTGCCAGTCCTC-3'
Protein context (NP_055178.3, residues 177-197): RSRKKDDPLK[Val187Phe]GRFGIGFNSV